The following is an entry in ClinVar:

NM_001942.4(DSG1):c.2126A>T (p.Asp709Val)

Genes: DSG1 (desmoglein 1; plus strand), DSG1-AS1 (DSG1 antisense RNA 1; minus strand), LOC126862720 (MED14-independent group 3 enhancer GRCh37_chr18:28933613-28934812; plus strand). Cytogenetic location: 18q12.1.
Variant type: single nucleotide variant.
Coding change: c.2126A>T on transcript NM_001942.4 (MANE Select); coding-DNA position 2126, A replaced by T.
Protein change: p.Asp709Val; replaces aspartic acid 709 with valine.
Molecular consequence: missense variant. On other transcripts: non-coding transcript variant (1).
Genome position (GRCh38, 1-based): chr18:31,354,322, A>T. VCF-style: chr18-31354322-A-T. GRCh37 (hg19) VCF-style: chr18-28934285-A-T.
Other names: short protein forms D709V.
Identifiers: ClinVar variation 3665489 (VCV003665489.2).
Genomic context (GRCh38, chr18:31,354,322, plus strand): 5'-CATAATTTCATTTTCTCTTTCTCCTATAAATTCAGAAAGCATATGCTTACGCAGATGAAG[A>T]TGAAGGACGCCCATCTAATGACTGTTTGCTCATATATGACATCGAAGGTGTAGGTTCCCC-3'
Protein context (NP_001933.2, residues 699-719): CQKAYAYADE[Asp709Val]EGRPSNDCLL

ClinVar aggregate classification (germline): Uncertain significance (1 of 4 stars; one submission).

gnomAD v4.1: 1 of 1,614,208 alleles (0.000062%); highest among the groups gnomAD compares: Non-Finnish European, 0.000085%; no homozygotes.

Submission:

Labcorp Genetics (formerly Invitae), Labcorp
Classification: Uncertain significance. Last evaluated: 2024-09-26. Review status: criteria provided, single submitter. Criteria: Invitae Variant Classification Sherloc (09022015). Collection method: clinical testing. Allele origin: germline.
Comment: This sequence change replaces aspartic acid, which is acidic and polar, with valine, which is neutral and non-polar, at codon 709 of the DSG1 protein (p.Asp709Val). This variant is not present in population databases (gnomAD no frequency). This variant has not been reported in the literature in individuals affected with DSG1-related conditions. Invitae Evidence Modeling of protein sequence and biophysical properties (such as structural, functional, and spatial information, amino acid conservation, physicochemical variation, residue mobility, and thermodynamic stability) indicates that this missense variant is not expected to disrupt DSG1 protein function with a negative predictive value of 80%. In summary, the available evidence is currently insufficient to determine the role of this variant in disease. Therefore, it has been classified as a Variant of Uncertain Significance.